The following is an entry in ClinVar:

NM_001308093.3(GATA4):c.361G>A (p.Ala121Thr)

Gene: GATA4 (GATA binding protein 4). Cytogenetic location: 8p23.1.
Variant type: single nucleotide variant.
Coding change: c.361G>A on transcript NM_001308093.3 (MANE Select); coding-DNA position 361, G replaced by A.
Protein change: p.Ala121Thr; replaces alanine 121 with threonine.
Molecular consequence: missense variant. On other transcripts: intron variant (3).
Genome position (GRCh38, 1-based): chr8:11,708,673, G>A. VCF-style: chr8-11708673-G-A. GRCh37 (hg19) VCF-style: chr8-11566182-G-A.
Other names: c.361G>A, p.Ala121Thr (NM_002052.5); c.-6+7895G>A (NM_001308094.2); c.-3+659G>A (NM_001374274.1); c.-3+4369G>A (NM_001374273.1); short protein forms A121T.
Identifiers: ClinVar variation 3280844 (VCV003280844.1).

ClinVar aggregate classification (germline): Uncertain significance (1 of 4 stars; one submission).

Conditions:
Cardiovascular phenotype. Identifiers: MedGen CN230736.

gnomAD v4.1: 1 of 1,281,888 alleles (0.000078%); highest among the groups gnomAD compares: South Asian, 0.0027%; no homozygotes.

Submission:

Ambry Genetics
Classification: Uncertain significance for Cardiovascular phenotype. Last evaluated: 2024-04-05. Review status: criteria provided, single submitter. Criteria: Ambry Variant Classification Scheme 2023. Collection method: clinical testing. Allele origin: germline.
Comment: The p.A121T variant (also known as c.361G>A), located in coding exon 1 of the GATA4 gene, results from a G to A substitution at nucleotide position 361. The alanine at codon 121 is replaced by threonine, an amino acid with similar properties. This amino acid position is conserved. In addition, the in silico prediction for this alteration is inconclusive. Based on the available evidence, the clinical significance of this variant remains unclear.